The following is an entry in ClinVar:

ClinVar aggregate classification (germline): Uncertain significance. Review status: criteria provided, multiple submitters, no conflicts (2 of 4 stars). 2 submissions from 2 submitters: Uncertain significance (2). Last evaluated 2022-07-03.

Conditions:
Inborn genetic diseases. Identifiers: MedGen C0950123, MeSH D030342.
Multiple gastrointestinal atresias. Also called: Multiple intestinal atresia; FAMILIAL INTESTINAL POLYATRESIA SYNDROME. Identifiers: Orphanet 2300, MedGen C0220744, MONDO:0009465.

gnomAD v4.1: 1 of 1,607,380 alleles (0.000062%); highest among the groups gnomAD compares: Admixed American, 0.0017%; no homozygotes.

Submissions (2):

Labcorp Genetics (formerly Invitae), Labcorp
Classification: Uncertain significance for Multiple gastrointestinal atresias. Last evaluated: 2022-07-03. Review status: criteria provided, single submitter. Criteria: Invitae Variant Classification Sherloc (09022015). Collection method: clinical testing. Allele origin: germline.
Comment: In summary, the available evidence is currently insufficient to determine the role of this variant in disease. Therefore, it has been classified as a Variant of Uncertain Significance. This sequence change replaces aspartic acid, which is acidic and polar, with glutamic acid, which is acidic and polar, at codon 503 of the TTC7A protein (p.Asp503Glu). This variant is present in population databases (no rsID available, gnomAD 0.003%). This variant has not been reported in the literature in individuals affected with TTC7A-related conditions. Algorithms developed to predict the effect of missense changes on protein structure and function (SIFT, PolyPhen-2, Align-GVGD) all suggest that this variant is likely to be tolerated.

Ambry Genetics
Classification: Uncertain significance for Inborn genetic diseases. Last evaluated: 2022-01-31. Review status: criteria provided, single submitter. Criteria: Ambry Variant Classification Scheme 2023. Collection method: clinical testing. Allele origin: germline.

NM_020458.4(TTC7A):c.1509C>G (p.Asp503Glu)

Gene: TTC7A (tetratricopeptide repeat domain 7A; plus strand). Cytogenetic location: 2p21.
Variant type: single nucleotide variant.
Coding change: c.1509C>G on transcript NM_020458.4 (MANE Select); coding-DNA position 1509, C replaced by G.
Protein change: p.Asp503Glu; replaces aspartic acid 503 with glutamic acid.
Molecular consequence: missense variant.
Genome position (GRCh38, 1-based): chr2:47,021,978, C>G. VCF-style: chr2-47021978-C-G. GRCh37 (hg19) VCF-style: chr2-47249117-C-G.
Other names: c.1509C>G, p.Asp503Glu (NM_001288951.2); c.1407C>G, p.Asp469Glu (NM_001288953.2); c.447C>G, p.Asp149Glu (NM_001288955.2); short protein forms D503E, D149E, D469E.
Identifiers: ClinVar variation 1923132 (VCV001923132.6), dbSNP rs753851181, ClinGen allele CA346716158.